The following is an entry in ClinVar:

ClinVar aggregate classification (germline): Uncertain significance (1 of 4 stars; one submission).

Conditions:
Primary ciliary dyskinesia. Also called: Ciliary dyskinesia. Identifiers: Orphanet 244, MedGen C0008780, MONDO:0016575, HP:0012265.

gnomAD v4.1: 7 of 1,614,038 alleles (0.00043%); highest among the groups gnomAD compares: South Asian, 0.0033%; no homozygotes.

Submission:

Labcorp Genetics (formerly Invitae), Labcorp
Classification: Uncertain significance for Primary ciliary dyskinesia. Last evaluated: 2024-12-03. Review status: criteria provided, single submitter. Criteria: Invitae Variant Classification Sherloc (09022015). Collection method: clinical testing. Allele origin: germline.
Comment: This sequence change replaces proline, which is neutral and non-polar, with serine, which is neutral and polar, at codon 746 of the DNAAF5 protein (p.Pro746Ser). This variant is present in population databases (rs373188379, gnomAD 0.006%). This variant has not been reported in the literature in individuals affected with DNAAF5-related conditions. Invitae Evidence Modeling of protein sequence and biophysical properties (such as structural, functional, and spatial information, amino acid conservation, physicochemical variation, residue mobility, and thermodynamic stability) indicates that this missense variant is expected to disrupt DNAAF5 protein function with a positive predictive value of 80%. In summary, the available evidence is currently insufficient to determine the role of this variant in disease. Therefore, it has been classified as a Variant of Uncertain Significance.

NM_017802.4(DNAAF5):c.2236C>T (p.Pro746Ser)

Gene: DNAAF5 (dynein axonemal assembly factor 5; plus strand). Cytogenetic location: 7p22.3.
Variant type: single nucleotide variant.
Coding change: c.2236C>T on transcript NM_017802.4 (MANE Select); coding-DNA position 2236, C replaced by T.
Protein change: p.Pro746Ser; replaces proline 746 with serine.
Molecular consequence: missense variant. On other transcripts: non-coding transcript variant (1).
Genome position (GRCh38, 1-based): chr7:775,159, C>T. VCF-style: chr7-775159-C-T. GRCh37 (hg19) VCF-style: chr7-814796-C-T.
Other names: short protein forms P746S.
Identifiers: ClinVar variation 3661113 (VCV003661113.1).